The following is an entry in ClinVar:

NM_003060.4(SLC22A5):c.802G>A (p.Val268Met)

Gene: SLC22A5 (solute carrier family 22 member 5; plus strand). Cytogenetic location: 5q31.1.
Variant type: single nucleotide variant.
Coding change: c.802G>A on transcript NM_003060.4 (MANE Select); coding-DNA position 802, G replaced by A.
Protein change: p.Val268Met; replaces valine 268 with methionine.
Molecular consequence: missense variant.
Genome position (GRCh38, 1-based): chr5:132,385,477, G>A. VCF-style: chr5-132385477-G-A. GRCh37 (hg19) VCF-style: chr5-131721169-G-A.
Other names: c.802G>A (NM_003060.3); c.874G>A, p.Val292Met (NM_001308122.2); short protein forms V292M, V268M.
Identifiers: ClinVar variation 2166280 (VCV002166280.2), dbSNP rs774311428, ClinGen allele CA3403978.

ClinVar aggregate classification (germline): Uncertain significance. Review status: criteria provided, multiple submitters, no conflicts (2 of 4 stars). 2 submissions from 2 submitters: Uncertain significance (2). Last evaluated 2025-08-20.

Conditions:
Inborn genetic diseases. Identifiers: MedGen C0950123, MeSH D030342.
Renal carnitine transport defect (CDSP). Also called: Systemic primary carnitine deficiency disease; CARNITINE DEFICIENCY, SYSTEMIC, DUE TO DEFECT IN RENAL REABSORPTION OF CARNITINE; CARNITINE TRANSPORTER, PLASMA-MEMBRANE, DEFICIENCY OF; CARNITINE UPTAKE DEFECT; Primary carnitine deficiency; Carnitine Deficiency, Systemic. Identifiers: Orphanet 158, MedGen C0342788, MONDO:0008919, OMIM 212140.

Allele frequency attached by ClinVar (database versions not stated): ExAC 0.00001; gnomAD 0.00001; TOPMed 0.00001.
gnomAD v4.1: 21 of 1,614,070 alleles (0.0013%); highest among the groups gnomAD compares: Non-Finnish European, 0.0017%; no homozygotes.

Submissions (2):

Ambry Genetics
Classification: Uncertain significance for Inborn genetic diseases. Last evaluated: 2025-08-20. Review status: criteria provided, single submitter. Criteria: Ambry Variant Classification Scheme 2023. Collection method: clinical testing. Allele origin: germline.

Labcorp Genetics (formerly Invitae), Labcorp
Classification: Uncertain significance for Renal carnitine transport defect. Last evaluated: 2022-03-18. Review status: criteria provided, single submitter. Criteria: Invitae Variant Classification Sherloc (09022015). Collection method: clinical testing. Allele origin: germline.
Comment: This sequence change replaces valine, which is neutral and non-polar, with methionine, which is neutral and non-polar, at codon 268 of the SLC22A5 protein (p.Val268Met). This variant is present in population databases (rs774311428, gnomAD 0.002%). This variant has not been reported in the literature in individuals affected with SLC22A5-related conditions. Advanced modeling of protein sequence and biophysical properties (such as structural, functional, and spatial information, amino acid conservation, physicochemical variation, residue mobility, and thermodynamic stability) performed at Invitae indicates that this missense variant is not expected to disrupt SLC22A5 protein function. In summary, the available evidence is currently insufficient to determine the role of this variant in disease. Therefore, it has been classified as a Variant of Uncertain Significance.